The following is an entry in ClinVar:

ClinVar aggregate classification (germline): Uncertain significance (1 of 4 stars; one submission).

gnomAD v4.1: 14 of 1,614,020 alleles (0.00087%); highest among the groups gnomAD compares: South Asian, 0.0066%; no homozygotes.

Submission:

Ambry Genetics
Classification: Uncertain significance. Last evaluated: 2025-04-04. Review status: criteria provided, single submitter. Criteria: Ambry Variant Classification Scheme 2023. Collection method: clinical testing. Allele origin: germline.
Comment: The p.T723M variant (also known as c.2168C>T), located in coding exon 12 of the ATRIP gene, results from a C to T substitution at nucleotide position 2168. The threonine at codon 723 is replaced by methionine, an amino acid with similar properties. This amino acid position is conserved. In addition, this alteration is predicted to be tolerated by in silico analysis. Based on the available evidence, the clinical significance of this variant remains unclear.

NM_130384.3(ATRIP):c.2168C>T (p.Thr723Met)

Genes: ATRIP (ATR interacting protein; plus strand), ATRIP-TREX1 (ATRIP-TREX1 readthrough; plus strand). Cytogenetic location: 3p21.31.
Variant type: single nucleotide variant.
Coding change: c.2168C>T on transcript NM_130384.3 (MANE Select); coding-DNA position 2168, C replaced by T.
Protein change: p.Thr723Met; replaces threonine 723 with methionine.
Molecular consequence: missense variant. On other transcripts: non-coding transcript variant (1).
Genome position (GRCh38, 1-based): chr3:48,464,943, C>T. VCF-style: chr3-48464943-C-T. GRCh37 (hg19) VCF-style: chr3-48506342-C-T.
Other names: c.1787C>T, p.Thr596Met (NM_001271022.2); c.1889C>T, p.Thr630Met (NM_001271023.2); c.2087C>T, p.Thr696Met (NM_032166.4); short protein forms T630M, T596M, T723M, T696M.
Identifiers: ClinVar variation 3975959 (VCV003975959.1).